The following is an entry in ClinVar:

ClinVar aggregate classification (germline): Pathogenic (1 of 4 stars; one submission).

Conditions:
Neurofibromatosis, type 1 (NF1). Also called: VON RECKLINGHAUSEN DISEASE; NEUROFIBROMATOSIS, TYPE I, SOMATIC; Peripheral type neurofibromatosis; Neurofibromatosis, type I. Identifiers: Orphanet 636, MedGen C0027831, MONDO:0018975, OMIM 162200. Disease mechanism: loss of function.

Submission:

Labcorp Genetics (formerly Invitae), Labcorp
Classification: Pathogenic for Neurofibromatosis, type 1. Last evaluated: 2023-06-17. Review status: criteria provided, single submitter. Criteria: Invitae Variant Classification Sherloc (09022015). Collection method: clinical testing. Allele origin: germline.
Comment: This sequence change creates a premature translational stop signal (p.Cys124Valfs*41) in the NF1 gene. It is expected to result in an absent or disrupted protein product. Loss-of-function variants in NF1 are known to be pathogenic (PMID: 10712197, 23913538). This variant is not present in population databases (gnomAD no frequency). This variant has not been reported in the literature in individuals affected with NF1-related conditions. ClinVar contains an entry for this variant (Variation ID: 653825). For these reasons, this variant has been classified as Pathogenic.

Literature cited by the submitters: PubMed 10712197; PubMed 23913538.

NM_001042492.3(NF1):c.370del (p.Cys124fs)

Gene: NF1 (neurofibromin 1; plus strand). Cytogenetic location: 17q11.2.
Variant type: Deletion.
Coding change: c.370del on transcript NM_001042492.3 (MANE Select); coding-DNA position 370, one base deleted (T; older notation c.370delT).
Protein change: p.Cys124fs; shifts the reading frame from cysteine 124.
Molecular consequence: frameshift variant.
Genome position (GRCh38, 1-based): chr17:31,163,267, T deleted. VCF-style (leftmost placement, unchanged base first): chr17-31163266-CT-C. GRCh37 (hg19) VCF-style: chr17-29490284-CT-C.
Other names: c.370delT (NM_000267.3); c.370delT, p.Cys124Valfs (NM_000267.4); c.370del, p.Cys124fs (NM_001128147.3); short protein forms C124fs.
Identifiers: ClinVar variation 653825 (VCV000653825.5), dbSNP rs1597635825, ClinGen allele CA915949718.